The following is an entry in ClinVar:

NM_000059.4(BRCA2):c.9060_9061insTT (p.Glu3021fs)

Gene: BRCA2 (BRCA2 DNA repair associated; plus strand). Cytogenetic location: 13q13.1.
Variant type: Insertion.
Coding change: c.9060_9061insTT on transcript NM_000059.4 (MANE Select); coding-DNA positions 9060 to 9061, TT inserted.
Protein change: p.Glu3021fs; shifts the reading frame from glutamic acid 3021.
Molecular consequence: frameshift variant.
Genome position: GRCh38 VCF-style: chr13-32379855-C-CTT. GRCh37 (hg19) VCF-style: chr13-32953992-C-CTT.
Other names: 9288insTT; short protein forms E3021fs.
Identifiers: ClinVar variation 38206 (VCV000038206.2), dbSNP rs397507418, ClinGen allele CA025952.
Genomic context (GRCh38, chr13:32,379,855, plus strand): 5'-TAACAGAAGGAAAGAGATACAGAATTTATCATCTTGCAACTTCAAAATCTAAAAGTAAAT[C>CTT]TGAAAGAGCTAACATACAGTTAGCAGCGACAAAAAAAACTCAGTATCAACAACTACCGGT-3'

ClinVar aggregate classification (germline): Pathogenic. Review status: reviewed by expert panel (3 of 4 stars). 2 submissions from 2 submitters: Pathogenic (1). 1 of the submissions does not count toward it. Last evaluated 2017-12-15.

Conditions:
Breast-ovarian cancer, familial, susceptibility to, 2 (BROVCA2). Also called: BRCA2 Hereditary Breast and Ovarian Cancer. Identifiers: Orphanet 145, MedGen C2675520, MONDO:0012933, OMIM 612555. Disease mechanism: loss of function.

Submissions (2):

Evidence-based Network for the Interpretation of Germline Mutant Alleles (ENIGMA)
Classification: Pathogenic for Breast-ovarian cancer, familial, susceptibility to, 2. Last evaluated: 2017-12-15. Review status: reviewed by expert panel. Criteria: ENIGMA BRCA1/2 Classification Criteria (2017-06-29). Collection method: curation. Allele origin: germline. Study: ENIGMA.
Comment: Variant allele predicted to encode a truncated non-functional protein.

Sharing Clinical Reports Project (SCRP)
Classification: Pathogenic for Breast-ovarian cancer, familial 2. Last evaluated: 2010-04-14. Review status: no assertion criteria provided. Collection method: clinical testing. Allele origin: germline. Not counted in ClinVar's aggregate classification.